The following is an entry in ClinVar:

NM_002109.6(HARS1):c.1493T>G (p.Ile498Ser)

Gene: HARS1 (histidyl-tRNA synthetase 1; minus strand). Cytogenetic location: 5q31.3.
Variant type: single nucleotide variant.
Coding change: c.1493T>G on transcript NM_002109.6 (MANE Select); coding-DNA position 1493, T replaced by G.
Protein change: p.Ile498Ser; replaces isoleucine 498 with serine.
Molecular consequence: missense variant.
Genome position (GRCh38, 1-based): chr5:140,674,294, A>C on the plus strand (T>G on the coding strand, the complement: HARS1 is on the minus strand). VCF-style: chr5-140674294-A-C. GRCh37 (hg19) VCF-style: chr5-140053879-A-C.
Other names: c.1373T>G, p.Ile458Ser (NM_001258040.3); c.1433T>G, p.Ile478Ser (NM_001258041.3); c.1313T>G, p.Ile438Ser (NM_001258042.3); c.1271T>G, p.Ile424Ser (NM_001289092.2); c.1151T>G, p.Ile384Ser (NM_001289093.2); c.1406T>G, p.Ile469Ser (NM_001289094.2); short protein forms I384S, I458S, I478S, I424S, I438S, I469S, I498S.
Identifiers: ClinVar variation 4745686 (VCV004745686.1).

ClinVar aggregate classification (germline): Uncertain significance (1 of 4 stars; one submission).

Conditions:
Usher syndrome type 3B. Also called: USHER SYNDROME, TYPE IIIB. Identifiers: MedGen C3281066, MONDO:0013788, OMIM 614504.

Submission:

Labcorp Genetics (formerly Invitae), Labcorp
Classification: Uncertain significance for Usher syndrome type 3B. Last evaluated: 2025-09-15. Review status: criteria provided, single submitter. Criteria: Invitae Variant Classification Sherloc (09022015). Collection method: clinical testing. Allele origin: germline.
Comment: This sequence change replaces isoleucine, which is neutral and non-polar, with serine, which is neutral and polar, at codon 498 of the HARS protein (p.Ile498Ser). This variant is not present in population databases (gnomAD no frequency). This variant has not been reported in the literature in individuals affected with HARS-related conditions. An algorithm developed to predict the effect of missense changes on protein structure and function (PolyPhen-2) suggests that this variant is likely to be disruptive. In summary, the available evidence is currently insufficient to determine the role of this variant in disease. Therefore, it has been classified as a Variant of Uncertain Significance.